The following is an entry in ClinVar:

ClinVar aggregate classification (germline): Uncertain significance (1 of 4 stars; one submission).

Conditions:
Hereditary pancreatitis (PCTT). Also called: PRSS1-Related Hereditary Pancreatitis; Hereditary chronic pancreatitis. Identifiers: Orphanet 676, MedGen C0238339, MONDO:0008185, OMIM 167800.

Submission:

Ambry Genetics
Classification: Uncertain significance for Hereditary pancreatitis. Last evaluated: 2025-03-13. Review status: criteria provided, single submitter. Criteria: Ambry Variant Classification Scheme 2023. Collection method: clinical testing. Allele origin: germline.
Comment: The p.L329V variant (also known as c.985C>G), located in coding exon 8 of the CPA1 gene, results from a C to G substitution at nucleotide position 985. The leucine at codon 329 is replaced by valine, an amino acid with highly similar properties. This amino acid position is highly conserved in available vertebrate species. In addition, the in silico prediction for this alteration is inconclusive. Based on the available evidence, the clinical significance of this variant remains unclear.

NM_001868.4(CPA1):c.985C>G (p.Leu329Val)

Gene: CPA1 (carboxypeptidase A1; plus strand). Cytogenetic location: 7q32.2.
Variant type: single nucleotide variant.
Coding change: c.985C>G on transcript NM_001868.4 (MANE Select); coding-DNA position 985, C replaced by G.
Protein change: p.Leu329Val; replaces leucine 329 with valine.
Molecular consequence: missense variant.
Genome position (GRCh38, 1-based): chr7:130,385,343, C>G. VCF-style: chr7-130385343-C-G. GRCh37 (hg19) VCF-style: chr7-130025184-C-G.
Other names: short protein forms L329V.
Identifiers: ClinVar variation 3835762 (VCV003835762.1).